The following is an entry in ClinVar:

NM_001277313.2(FMN1):c.729G>A (p.Thr243=)

Gene: FMN1 (formin 1; minus strand). Cytogenetic location: 15q13.3.
Variant type: single nucleotide variant.
Coding change: c.729G>A on transcript NM_001277313.2 (MANE Select); coding-DNA position 729, G replaced by A.
Protein change: p.Thr243=; no amino-acid change (threonine 243 retained).
Molecular consequence: synonymous variant.
Genome position (GRCh38, 1-based): chr15:33,154,186, C>T on the plus strand (G>A on the coding strand, the complement: FMN1 is on the minus strand). VCF-style: chr15-33154186-C-T. GRCh37 (hg19) VCF-style: chr15-33446387-C-T.
Other names: c.729G>A, p.Thr243= (NM_001277314.2).
Identifiers: ClinVar variation 2416879 (VCV002416879.7), dbSNP rs764443807, ClinGen allele CA7457572.

ClinVar aggregate classification (germline): Uncertain significance (1 of 4 stars; one submission).

Allele frequency attached by ClinVar (database versions not stated): gnomAD 0.00001; TOPMed 0.00001; gnomAD exomes 0.00003; ExAC 0.00014.
gnomAD v4.1: 46 of 1,536,232 alleles (0.003%); highest among the groups gnomAD compares: Middle Eastern, 0.017%; 1 homozygote.

Submission:

Labcorp Genetics (formerly Invitae), Labcorp
Classification: Uncertain significance. Last evaluated: 2024-09-06. Review status: criteria provided, single submitter. Criteria: Invitae Variant Classification Sherloc (09022015). Collection method: clinical testing. Allele origin: germline.
Comment: The FMN1 gene has multiple clinically relevant transcripts. This variant occurs in alternate transcript NM_001277314.1, and corresponds to NM_001103184.3:c.-86302G>A in the primary transcript. This sequence change affects codon 243 of the FMN1 mRNA. It is a 'silent' change, meaning that it does not change the encoded amino acid sequence of the FMN1 protein. This variant is present in population databases (rs764443807, gnomAD 0.02%). This variant has not been reported in the literature in individuals affected with FMN1-related conditions. Experimental studies and prediction algorithms are not available or were not evaluated, and the functional significance of this variant is currently unknown. In summary, the available evidence is currently insufficient to determine the role of this variant in disease. Therefore, it has been classified as a Variant of Uncertain Significance.